The following is an entry in ClinVar:

NM_000548.5(TSC2):c.5068+6G>C

Gene: TSC2 (TSC complex subunit 2; plus strand). Cytogenetic location: 16p13.3.
Variant type: single nucleotide variant.
Coding change: c.5068+6G>C on transcript NM_000548.5 (MANE Select); 6 bases into the intron after coding-DNA position 5068, G replaced by C.
Molecular consequence: intron variant.
Genome position (GRCh38, 1-based): chr16:2,087,947, G>C. VCF-style: chr16-2087947-G-C. GRCh37 (hg19) VCF-style: chr16-2137948-G-C.
Other names: c.4999+6G>C (NM_001114382.3); c.4939+6G>C (NM_021055.3, NM_001370405.1); c.4870+6G>C (NM_001363528.2); c.4936+6G>C (NM_001370404.1); c.4867+6G>C (NM_001077183.3); c.4759+6G>C (NM_001318827.2); c.4336+6G>C (NM_001318831.2); c.4723+6G>C (NM_001318829.2); and 1 more.
Identifiers: ClinVar variation 2156082 (VCV002156082.4), dbSNP rs2091060639, ClinGen allele CA2575877139.
Genomic context (GRCh38, chr16:2,087,947, plus strand): 5'-ATCGTCACCCCGCTGGACTACGAGTGCAACCTGGTGTCCCTGCAGTGCAGGAAAGGTAGG[G>C]CCGGGTGGGGCCCTGCAGTGCAGGAAAGGTAGGGCCGGGTGGGGCCCTGCAGTGTGGCGC-3'

ClinVar aggregate classification (germline): Uncertain significance (1 of 4 stars; one submission).

Conditions:
Tuberous sclerosis 2 (TSC2). Identifiers: Orphanet 805, MedGen C1860707, MONDO:0013199, OMIM 613254.

Allele frequency attached by ClinVar (database versions not stated): gnomAD exomes below 0.00001.

Submission:

Labcorp Genetics (formerly Invitae), Labcorp
Classification: Uncertain significance for Tuberous sclerosis 2. Last evaluated: 2024-11-04. Review status: criteria provided, single submitter. Criteria: Invitae Variant Classification Sherloc (09022015). Collection method: clinical testing. Allele origin: germline.
Comment: This sequence change falls in intron 39 of the TSC2 gene. It does not directly change the encoded amino acid sequence of the TSC2 protein. It affects a nucleotide within the consensus splice site. This variant is not present in population databases (gnomAD no frequency). This variant has not been reported in the literature in individuals affected with TSC2-related conditions. ClinVar contains an entry for this variant (Variation ID: 2156082). Variants that disrupt the consensus splice site are a relatively common cause of aberrant splicing (PMID: 17576681, 9536098). Algorithms developed to predict the effect of sequence changes on RNA splicing suggest that this variant is not likely to affect RNA splicing. In summary, the available evidence is currently insufficient to determine the role of this variant in disease. Therefore, it has been classified as a Variant of Uncertain Significance.

Literature cited by the submitters: PubMed 17576681; PubMed 9536098.